The following is an entry in ClinVar:

ClinVar aggregate classification (germline): Benign/Likely benign. Review status: criteria provided, multiple submitters, no conflicts (2 of 4 stars). 2 submissions from 2 submitters: Benign (1); Likely benign (1). Last evaluated 2024-06-06.

Conditions:
Ataxia-telangiectasia syndrome (AT). Also called: Ataxia telangiectasia (A-T); ATAXIA-TELANGIECTASIA, COMPLEMENTATION GROUP A; ATAXIA-TELANGIECTASIA, FRESNO VARIANT; Ataxia-telangiectasia; Ataxia-telangiectasia, complementation group E; LOUIS-BAR SYNDROME. Identifiers: Orphanet 100, MedGen C0004135, MONDO:0008840, OMIM 208900.
Familial cancer of breast. Also called: Hereditary breast cancer; hereditary breast carcinoma; BREAST CANCER, FAMILIAL. Identifiers: Orphanet 227535, MedGen C0346153, MONDO:0016419, OMIM 114480. Disease mechanism: loss of function.

Submissions (2):

Myriad Genetics, Inc.
Classification: Benign for Familial cancer of breast. Last evaluated: 2024-06-06. Review status: criteria provided, single submitter. Criteria: Myriad Autosomal Dominant, Autosomal Recessive and X-Linked Classification Criteria (2023). Collection method: clinical testing. Allele origin: unknown.
Comment: This variant is considered benign. This variant is a silent/synonymous amino acid change and it is not expected to impact splicing.

Labcorp Genetics (formerly Invitae), Labcorp
Classification: Likely benign for Ataxia-telangiectasia syndrome. Last evaluated: 2021-01-31. Review status: criteria provided, single submitter. Criteria: Invitae Variant Classification Sherloc (09022015). Collection method: clinical testing. Allele origin: germline.

NM_000051.4(ATM):c.6528G>A (p.Leu2176=)

Genes: ATM (ATM serine/threonine kinase; plus strand), C11orf65 (chromosome 11 open reading frame 65; minus strand). Cytogenetic location: 11q22.3.
Variant type: single nucleotide variant.
Coding change: c.6528G>A on transcript NM_000051.4 (MANE Select); coding-DNA position 6528, G replaced by A.
Protein change: p.Leu2176=; no amino-acid change (leucine 2176 retained).
Molecular consequence: synonymous variant. On other transcripts: intron variant (2).
Genome position (GRCh38, 1-based): chr11:108,321,376, G>A. VCF-style: chr11-108321376-G-A. GRCh37 (hg19) VCF-style: chr11-108192103-G-A.
Other names: c.6528G>A, p.Leu2176= (NM_001351834.2); c.641-12305C>T (NM_001330368.2); c.*39-12305C>T (NM_001351110.2).
Identifiers: ClinVar variation 1101139 (VCV001101139.10), dbSNP rs2136241451, ClinGen allele CA476676207.